The following is an entry in ClinVar:

ClinVar aggregate classification (germline): Uncertain significance (1 of 4 stars; one submission).

Allele frequency attached by ClinVar (database versions not stated): ExAC 0.00001.
gnomAD v4.1: 4 of 1,607,384 alleles (0.00025%); highest among the groups gnomAD compares: South Asian, 0.0044%; no homozygotes.

Submission:

Ambry Genetics
Classification: Uncertain significance. Last evaluated: 2015-11-11. Review status: criteria provided, single submitter. Criteria: Ambry Variant Classification Scheme 2023. Collection method: clinical testing. Allele origin: germline.
Comment: The c.28-12T>G intronic variant results from a T to G substitution 12 nucleotides upstream from coding exon 2 in the GBA gene. This variant was not reported in population based cohorts in the following databases: Database of Single Nucleotide Polymorphisms (dbSNP), NHLBI Exome Sequencing Project (ESP), and 1000 Genomes Project. In the ESP, this variant was not observed in 6503 samples (13006 alleles) with coverage at this position. This variant has been detected in conjunction with a pathogenic mutation in GBA by our laboratory. This variant is known to be in trans with this known pathogenic mutation. Using the BDGP, ESEfinder, HSF, and Max ENTScan splice site prediction tools, this alteration is not predicted to have any significant effect on this acceptor splice site; however, direct evidence is unavailable. Since supporting evidence is limited at this time, the clinical significance of this variant remains unclear.

NM_000157.4(GBA1):c.28-12T>G

Gene: GBA1 (glucosylceramidase beta 1; minus strand). Cytogenetic location: 1q22.
Variant type: single nucleotide variant.
Coding change: c.28-12T>G on transcript NM_000157.4 (MANE Select); 12 bases into the intron before coding-DNA position 28, T replaced by G.
Molecular consequence: intron variant.
Genome position (GRCh38, 1-based): chr1:155,240,729, A>C on the plus strand (T>G on the coding strand, the complement: GBA1 is on the minus strand). VCF-style: chr1-155240729-A-C. GRCh37 (hg19) VCF-style: chr1-155210520-A-C.
Other names: c.-146-652T>G (NM_001171811.2); c.28-12T>G (NM_001005742.3, NM_001005741.3, NM_001171812.2).
Identifiers: ClinVar variation 1799848 (VCV001799848.2), dbSNP rs745734072, ClinGen allele CA1141877.